The following is an entry in ClinVar:

NM_003321.5(TUFM):c.732T>G (p.Asp244Glu)

Gene: TUFM (Tu translation elongation factor, mitochondrial; minus strand). Cytogenetic location: 16p11.2.
Variant type: single nucleotide variant.
Coding change: c.732T>G on transcript NM_003321.5 (MANE Select); coding-DNA position 732, T replaced by G.
Protein change: p.Asp244Glu; replaces aspartic acid 244 with glutamic acid.
Molecular consequence: missense variant.
Genome position (GRCh38, 1-based): chr16:28,844,504, A>C on the plus strand (T>G on the coding strand, the complement: TUFM is on the minus strand). VCF-style: chr16-28844504-A-C. GRCh37 (hg19) VCF-style: chr16-28855825-A-C.
Other names: c.732T>G, p.Asp244Glu (NM_001365360.2); c.732T>G (NM_003321.4); short protein forms D244E.
Identifiers: ClinVar variation 1468787 (VCV001468787.7), dbSNP rs1318247183, ClinGen allele CA395416661.

ClinVar aggregate classification (germline): Uncertain significance. Review status: criteria provided, multiple submitters, no conflicts (2 of 4 stars). 2 submissions from 2 submitters: Uncertain significance (2). Last evaluated 2023-12-08.

Allele frequency attached by ClinVar (database versions not stated): TOPMed 0.00001.

Submissions (2):

GeneDx
Classification: Uncertain significance. Last evaluated: 2023-12-08. Review status: criteria provided, single submitter. Criteria: GeneDx Variant Classification Process June 2021. Collection method: clinical testing. Allele origin: germline. Affected: yes.
Comment: Not observed at significant frequency in large population cohorts (gnomAD); In silico analysis supports that this missense variant does not alter protein structure/function; Has not been previously published as pathogenic or benign to our knowledge

Labcorp Genetics (formerly Invitae), Labcorp
Classification: Uncertain significance. Last evaluated: 2021-12-02. Review status: criteria provided, single submitter. Criteria: Invitae Variant Classification Sherloc (09022015). Collection method: clinical testing. Allele origin: germline.
Comment: In summary, the available evidence is currently insufficient to determine the role of this variant in disease. Therefore, it has been classified as a Variant of Uncertain Significance. Algorithms developed to predict the effect of missense changes on protein structure and function (SIFT, PolyPhen-2, Align-GVGD) all suggest that this variant is likely to be tolerated. This variant has not been reported in the literature in individuals affected with TUFM-related conditions. This variant is not present in population databases (gnomAD no frequency). This sequence change replaces aspartic acid, which is acidic and polar, with glutamic acid, which is acidic and polar, at codon 244 of the TUFM protein (p.Asp244Glu).